The following is an entry in ClinVar:

NM_000155.4(GALT):c.1094A>G (p.His365Arg)

Gene: GALT (galactose-1-phosphate uridylyltransferase; plus strand). Cytogenetic location: 9p13.3.
Variant type: single nucleotide variant.
Coding change: c.1094A>G on transcript NM_000155.4 (MANE Select); coding-DNA position 1094, A replaced by G.
Protein change: p.His365Arg; replaces histidine 365 with arginine.
Molecular consequence: missense variant.
Genome position (GRCh38, 1-based): chr9:34,650,403, A>G. VCF-style: chr9-34650403-A-G. GRCh37 (hg19) VCF-style: chr9-34650400-A-G.
Other names: p.His365Arg; c.767A>G, p.His256Arg (NM_001258332.2); short protein forms H256R, H365R.
Identifiers: ClinVar variation 928941 (VCV000928941.3), dbSNP rs1821228599, ClinGen allele CA373285533.
Genomic context (GRCh38, chr9:34,650,403, plus strand): 5'-TTAATTGCTCCCTGTCCCTTTTCCAGGCTGCAGAGAGACTAAGGGCACTTCCTGAGGTTC[A>G]TTACCACCTGGGGCAGAAGGACAGGGAGACAGCAACCATCGCCTGACCACGCCGACCACA-3'
Protein context (NP_000146.2, residues 355-375): AERLRALPEV[His365Arg]YHLGQKDRET

ClinVar aggregate classification (germline): Uncertain significance. Review status: criteria provided, multiple submitters, no conflicts (2 of 4 stars). 3 submissions from 3 submitters: Uncertain significance (2). 1 of the submissions does not count toward it. Last evaluated 2023-02-28.

Conditions:
Galactosemia. Also called: Galactose intolerance. Identifiers: Orphanet 352, MedGen C0016952, MONDO:0018116, HP:0004919. Disease mechanism: loss of function.

Allele frequency attached by ClinVar (database versions not stated): gnomAD exomes 0.00001.

Submissions (3):

Mayo Clinic Laboratories, Mayo Clinic
Classification: Uncertain significance. Last evaluated: 2023-02-28. Review status: criteria provided, single submitter. Criteria: ACMG Guidelines, 2015. Collection method: clinical testing. Allele origin: germline. Observed: 2 variant alleles.
Comment: PP3, PP4, PM2

Women's Health and Genetics/Laboratory Corporation of America, LabCorp
Classification: Uncertain significance. Last evaluated: 2019-07-19. Review status: criteria provided, single submitter. Criteria: LabCorp Variant Classification Summary - May 2015. Collection method: clinical testing. Allele origin: germline.
Comment: Variant summary: GALT c.1094A>G (p.His365Arg) results in a non-conservative amino acid change located in the Galactose-1-phosphate uridyl transferase, C-terminal domain (IPR005850) of the encoded protein sequence. Five of five in-silico tools predict a damaging effect of the variant on protein function. The variant was absent in 251440 control chromosomes (gnomAD). The available data on variant occurrences in the general population are insufficient to allow any conclusion about variant significance. To our knowledge, no occurrence of c.1094A>G in individuals affected with Galactosemia and no experimental evidence demonstrating its impact on protein function have been reported. No submitters have provided clinical-significance assessments for this variant to ClinVar after 2014. Based on the evidence outlined above, the variant was classified as uncertain significance.

Natera, Inc.
Classification: Uncertain significance for Galactosemia. Last evaluated: 2020-06-20. Review status: no assertion criteria provided. Collection method: clinical testing. Allele origin: germline. Not counted in ClinVar's aggregate classification.